The following is an entry in ClinVar:

NM_007272.3(CTRC):c.783G>A (p.Trp261Ter)

Gene: CTRC (chymotrypsin C; plus strand). Cytogenetic location: 1p36.21.
Variant type: single nucleotide variant.
Coding change: c.783G>A on transcript NM_007272.3 (MANE Select); coding-DNA position 783, G replaced by A.
Protein change: p.Trp261Ter; replaces tryptophan 261 with a stop codon.
Molecular consequence: nonsense.
Genome position (GRCh38, 1-based): chr1:15,445,740, G>A. VCF-style: chr1-15445740-G-A. GRCh37 (hg19) VCF-style: chr1-15772235-G-A.
Other names: short protein forms W261*.
Identifiers: ClinVar variation 2801971 (VCV002801971.3), dbSNP rs759821387, ClinGen allele CA338568042.
Genomic context (GRCh38, chr1:15,445,740, plus strand): 5'-GGGCTGCAACACCCGCAAGAAGCCGGTAGTCTACACCCGGGTGTCCGCCTACATCGACTG[G>A]ATCAACGAGGTGGGTGCTGCCTCCACAGCTGTCCCTGCACCTGTCAGCCCCTCCCCCTCA-3'

ClinVar aggregate classification (germline): Uncertain significance (1 of 4 stars; one submission).

Conditions:
Hereditary pancreatitis (PCTT). Also called: PRSS1-Related Hereditary Pancreatitis; Hereditary chronic pancreatitis. Identifiers: Orphanet 676, MedGen C0238339, MONDO:0008185, OMIM 167800.

Submission:

Labcorp Genetics (formerly Invitae), Labcorp
Classification: Uncertain significance for Hereditary pancreatitis. Last evaluated: 2023-09-14. Review status: criteria provided, single submitter. Criteria: Invitae Variant Classification Sherloc (09022015). Collection method: clinical testing. Allele origin: germline.
Comment: In summary, the available evidence is currently insufficient to determine the role of this variant in disease. Therefore, it has been classified as a Variant of Uncertain Significance. Experimental studies and prediction algorithms are not available or were not evaluated, and the functional significance of this variant is currently unknown. This variant has not been reported in the literature in individuals affected with CTRC-related conditions. This variant is not present in population databases (gnomAD no frequency). This sequence change creates a premature translational stop signal (p.Trp261*) in the CTRC gene. While this is not anticipated to result in nonsense mediated decay, it is expected to disrupt the last 8 amino acid(s) of the CTRC protein.